The following is an entry in ClinVar:

ClinVar aggregate classification (germline): Benign/Likely benign. Review status: criteria provided, multiple submitters, no conflicts (2 of 4 stars). 7 submissions from 7 submitters: Benign (2); Likely benign (3). 2 of the submissions do not count toward it. Last evaluated 2026-02-03.

Conditions:
Deficiency of alpha-mannosidase (MANSA). Also called: Mannosidosis, alpha-, types I and II; LYSOSOMAL ALPHA-D-MANNOSIDASE DEFICIENCY; Alpha-Mannosidosis. Identifiers: Orphanet 61, MedGen C0024748, MONDO:0009561, OMIM 248500.

Allele frequency attached by ClinVar (database versions not stated): 1000 Genomes Project 0.00339; 1000 Genomes Project 30x 0.00390.

Submissions (10):

Labcorp Genetics (formerly Invitae), Labcorp
Classification: Benign for Deficiency of alpha-mannosidase. Last evaluated: 2026-02-03. Review status: criteria provided, single submitter. Criteria: Invitae Variant Classification Sherloc (09022015). Collection method: clinical testing. Allele origin: germline.

CeGaT Center for Human Genetics Tuebingen
Classification: Benign. Last evaluated: 2023-01-01. Review status: criteria provided, single submitter. Criteria: CeGaT Center For Human Genetics Tuebingen Variant Classification Criteria Version 2. Collection method: clinical testing. Allele origin: germline. Affected: yes. Observed: 1 variant allele.
Comment: MAN2B1: BP4, BS1, BS2

Fulgent Genetics
Classification: Likely benign for Deficiency of alpha-mannosidase. Last evaluated: 2022-02-15. Review status: criteria provided, single submitter. Criteria: ACMG Guidelines, 2015. Collection method: clinical testing. Allele origin: unknown.

GeneDx
Classification: Likely benign. Last evaluated: 2021-10-19. Review status: criteria provided, single submitter. Criteria: GeneDx Variant Classification Process June 2021. Collection method: clinical testing. Allele origin: germline. Affected: yes.
Comment: See Variant Classification Assertion Criteria.

Center for Pediatric Genomic Medicine, Children's Mercy Hospital and Clinics
Classification: Likely benign. Last evaluated: 2015-05-21. Review status: criteria provided, single submitter. Criteria: ACMG Guidelines, 2015. Collection method: clinical testing. Allele origin: germline.
ClinVar note: Converted during submission from Likely Benign to Likely benign.

Clinical Genetics, Academic Medical Center
Classification: Benign. Review status: no assertion criteria provided. Collection method: clinical testing. Allele origin: germline. Affected: yes. Study: VKGL Data-share Consensus. Not counted in ClinVar's aggregate classification.

Dr. Peter K. Rogan Lab, Western University
No classification provided (evidence only). Condition: Familial cancer of breast. Review status: no classification provided. Collection method: in vitro. Allele origin: not applicable. Functional consequence: retained intron. Not counted in ClinVar's aggregate classification.

Dr. Peter K. Rogan Lab, Western University
No classification provided (evidence only). Condition: Uterine corpus endometrial carcinoma. Review status: no classification provided. Collection method: in vitro. Allele origin: not applicable. Functional consequence: retained intron. Not counted in ClinVar's aggregate classification.

Dr. Peter K. Rogan Lab, Western University
No classification provided (evidence only). Condition: Nonpapillary renal cell carcinoma. Review status: no classification provided. Collection method: in vitro. Allele origin: not applicable. Functional consequence: skipped exon. Not counted in ClinVar's aggregate classification.

Genome Diagnostics Laboratory, University Medical Center Utrecht
Classification: Likely benign. Review status: no assertion criteria provided. Collection method: clinical testing. Allele origin: germline. Affected: yes. Study: VKGL Data-share Consensus. Not counted in ClinVar's aggregate classification.

NM_000528.4(MAN2B1):c.935C>A (p.Thr312Asn)

Gene: MAN2B1 (mannosidase alpha class 2B member 1; minus strand). Cytogenetic location: 19p13.13.
Variant type: single nucleotide variant.
Coding change: c.935C>A on transcript NM_000528.4 (MANE Select); coding-DNA position 935, C replaced by A.
Protein change: p.Thr312Asn; replaces threonine 312 with asparagine.
Molecular consequence: missense variant.
Genome position (GRCh38, 1-based): chr19:12,661,351, G>T on the plus strand (C>A on the coding strand, the complement: MAN2B1 is on the minus strand). VCF-style: chr19-12661351-G-T. GRCh37 (hg19) VCF-style: chr19-12772165-G-T.
Other names: c.935C>A, p.Thr312Asn (NM_001173498.2); short protein forms T312N.
Identifiers: ClinVar variation 235747 (VCV000235747.43), dbSNP rs1054487, ClinGen allele CA9226650.
Genomic context (GRCh38, chr19:12,661,351, plus strand): 5'-AGGTTCTTGAACCACATGTTGGCATTCTCATATTGGAAGTCCGAGCCCATGGTCATCACA[G>T]TGTGGTTGGTGCGGTAATACCGGCCCTGCAGGCAAGAGGGGAGTCCTGAAGCCAGAGGAT-3'
Protein context (NP_000519.2, residues 302-322): AQGRYYRTNH[Thr312Asn]VMTMGSDFQY